The following is an entry in ClinVar:

NM_030653.4(DDX11):c.2699G>A (p.Arg900Gln)

Gene: DDX11 (DEAD/H-box helicase 11; plus strand). Cytogenetic location: 12p11.21.
Variant type: single nucleotide variant.
Coding change: c.2699G>A on transcript NM_030653.4 (MANE Select); coding-DNA position 2699, G replaced by A.
Protein change: p.Arg900Gln; replaces arginine 900 with glutamine.
Molecular consequence: missense variant. On other transcripts: synonymous variant (6), non-coding transcript variant (4).
Genome position (GRCh38, 1-based): chr12:31,103,814, G>A. VCF-style: chr12-31103814-G-A. GRCh37 (hg19) VCF-style: chr12-31256748-G-A.
Other names: c.2694G>A, p.Pro898= (NM_001257144.2, NM_001413695.1, NM_001413696.1 and 1 more transcripts); c.2621G>A, p.Arg874Gln (NM_001257145.2, NM_001413697.1, NM_001413698.1); c.2699G>A, p.Arg900Gln (NM_001413692.1, NM_001413693.1, NM_001413694.1); c.2616G>A, p.Pro872= (NM_001413699.1); c.2612G>A, p.Arg871Gln (NM_001413700.1); c.2171G>A, p.Arg724Gln (NM_001413702.1, NM_001413703.1); c.1833G>A, p.Pro611= (NM_001413704.1); c.1838G>A, p.Arg613Gln (NM_001413705.1); and 2 more; short protein forms R578Q, R613Q, R724Q, R850Q, R871Q, R874Q, R900Q.
Identifiers: ClinVar variation 5039380 (VCV005039380.1).
Genomic context (GRCh38, chr12:31,103,814, plus strand): 5'-TGAGAGCCTCCCCACCCCGAGATCACATTTCTCACTGCCTTCTGTCTGCCCAGTTTCACC[G>A]GGAGAAGTCGGCCTCTTCCTGATGGGCAACCACACCACTGCCTGGCGCCGTGCCCTTCCT-3'
Protein context (NP_085911.2, residues 890-906): PAIAAVQKFH[Arg900Gln]EKSASS

ClinVar aggregate classification (germline): Likely benign (1 of 4 stars; one submission).

gnomAD v4.1: 50 of 1,613,694 alleles (0.0031%); highest among the groups gnomAD compares: Admixed American, 0.012%; 1 homozygote.

Submission:

CeGaT Center for Human Genetics Tuebingen
Classification: Likely benign. Last evaluated: 2026-07-01. Review status: criteria provided, single submitter. Criteria: CeGaT Center For Human Genetics Tuebingen Variant Classification Criteria Version 2. Collection method: clinical testing. Allele origin: germline. Affected: yes. Observed: 1 variant allele.
Comment: DDX11: BP4